The following is an entry in ClinVar:

ClinVar aggregate classification (germline): Pathogenic (1 of 4 stars; one submission).

Conditions:
Neuropathy, hereditary sensory and autonomic, type 2A (HSAN2A). Also called: MORVAN DISEASE; NEUROPATHY, CONGENITAL SENSORY; NEUROPATHY, HEREDITARY SENSORY RADICULAR, AUTOSOMAL RECESSIVE; NEUROPATHY, HEREDITARY SENSORY, TYPE IIA; NEUROPATHY, PROGRESSIVE SENSORY, OF CHILDREN; WNK1-Related HSAN2 (HSAN2A). Identifiers: Orphanet 970, MedGen C2752089, MONDO:0024309, OMIM 201300.
Generalized epilepsy with febrile seizures plus, type 7 (GEFSP7). Also called: GEFS+, TYPE 7. Identifiers: Orphanet 36387, MedGen C2751778, MONDO:0013470, OMIM 613863.

Submission:

Labcorp Genetics (formerly Invitae), Labcorp
Classification: Pathogenic for Neuropathy, hereditary sensory and autonomic, type 2A; Generalized epilepsy with febrile seizures plus, type 7. Last evaluated: 2021-05-20. Review status: criteria provided, single submitter. Criteria: Invitae Variant Classification Sherloc (09022015). Collection method: clinical testing. Allele origin: germline.
Comment: This variant disrupts the C-terminus of the SCN9A protein. Other variant(s) that disrupt this region (p.Glu1773Glyfs*14) have been determined to be pathogenic (PMID: 25253744, Invitae). This suggests that variants that disrupt this region of the protein are likely to be causative of disease. Algorithms developed to predict the effect of sequence changes on RNA splicing suggest that this variant may create or strengthen a splice site, but this prediction has not been confirmed by published transcriptional studies. This variant has not been reported in the literature in individuals with SCN9A-related conditions. This variant is not present in population databases (ExAC no frequency). This sequence change creates a premature translational stop signal (p.Tyr1657*) in the SCN9A gene. While this is not anticipated to result in nonsense mediated decay, it is expected to disrupt the last 321 amino acid(s) of the SCN9A protein. For these reasons, this variant has been classified as Pathogenic.

Literature cited by the submitters: PubMed 25253744.

NM_001365536.1(SCN9A):c.5004T>G (p.Tyr1668Ter)

Genes: SCN1A-AS1 (SCN1A and SCN9A antisense RNA 1; plus strand), SCN9A (sodium voltage-gated channel alpha subunit 9; minus strand). Cytogenetic location: 2q24.3.
Variant type: single nucleotide variant.
Coding change: c.5004T>G on transcript NM_001365536.1 (MANE Select); coding-DNA position 5004, T replaced by G.
Protein change: p.Tyr1668Ter; replaces tyrosine 1668 with a stop codon.
Molecular consequence: nonsense.
Genome position (GRCh38, 1-based): chr2:166,199,635, A>C on the plus strand (T>G on the coding strand, the complement: SCN9A is on the minus strand). VCF-style: chr2-166199635-A-C. GRCh37 (hg19) VCF-style: chr2-167056145-A-C.
Other names: c.4971T>G, p.Tyr1657Ter (NM_002977.4); short protein forms Y1668*, Y1657*.
Identifiers: ClinVar variation 1454265 (VCV001454265.8), dbSNP rs1693383784, ClinGen allele CA349054937.